The following is an entry in ClinVar:

NM_000548.5(TSC2):c.4763A>G (p.Gln1588Arg)

Gene: TSC2 (TSC complex subunit 2; plus strand). Cytogenetic location: 16p13.3.
Variant type: single nucleotide variant.
Coding change: c.4763A>G on transcript NM_000548.5 (MANE Select); coding-DNA position 4763, A replaced by G.
Protein change: p.Gln1588Arg; replaces glutamine 1588 with arginine.
Molecular consequence: missense variant. On other transcripts: non-coding transcript variant (5).
Genome position (GRCh38, 1-based): chr16:2,086,293, A>G. VCF-style: chr16-2086293-A-G. GRCh37 (hg19) VCF-style: chr16-2136294-A-G.
Other names: c.4103A>G, p.Gln1368Arg (NM_001406681.1); c.4094A>G, p.Gln1365Arg (NM_001406682.1, NM_001406683.1); c.4091A>G, p.Gln1364Arg (NM_001406684.1); c.3965A>G, p.Gln1322Arg (NM_001406685.1, NM_001406686.1); c.3962A>G, p.Gln1321Arg (NM_001406687.1, NM_001406688.1); c.3350A>G, p.Gln1117Arg (NM_001406689.1); c.3290A>G, p.Gln1097Arg (NM_001406690.1); c.3287A>G, p.Gln1096Arg (NM_001406691.1); and 26 more; short protein forms Q1074R, Q1097R, Q1368R, Q1517R, Q1518R, Q1545R, Q1551R, Q1552R.
Identifiers: ClinVar variation 2626463 (VCV002626463.2), dbSNP rs2151573461, ClinGen allele CA394307844.

ClinVar aggregate classification (germline): Uncertain significance (1 of 4 stars; one submission).

Conditions:
Hereditary cancer-predisposing syndrome. Also called: Tumor predisposition; Hereditary Cancer Syndrome; Hereditary neoplastic syndrome; Neoplastic Syndromes, Hereditary. Identifiers: Orphanet 140162, MedGen C0027672, MeSH D009386, MONDO:0015356.

Submission:

Ambry Genetics
Classification: Uncertain significance for Hereditary cancer-predisposing syndrome. Last evaluated: 2023-10-01. Review status: criteria provided, single submitter. Criteria: Ambry Variant Classification Scheme 2023. Collection method: clinical testing. Allele origin: germline.
Comment: The p.Q1588R variant (also known as c.4763A>G), located in coding exon 36 of the TSC2 gene, results from an A to G substitution at nucleotide position 4763. The glutamine at codon 1588 is replaced by arginine, an amino acid with highly similar properties. This amino acid position is conserved. In addition, this alteration is predicted to be deleterious by in silico analysis. Since supporting evidence is limited at this time, the clinical significance of this alteration remains unclear.